The following is an entry in ClinVar:

ClinVar aggregate classification (germline): Uncertain significance. Review status: criteria provided, multiple submitters, no conflicts (2 of 4 stars). 3 submissions from 3 submitters: Uncertain significance (3). Last evaluated 2025-05-07.

Conditions:
Deficiency of galactokinase. Also called: GALACTOSEMIA II; Galactokinase deficiency with cataracts. Identifiers: Orphanet 352, Orphanet 79237, MedGen C0268155, MONDO:0009255, OMIM 230200.

Allele frequency attached by ClinVar (database versions not stated): gnomAD exomes 0.00004 and 0.00012; gnomAD 0.00006 and 0.00007; ExAC 0.00010; TOPMed 0.00013; 1000 Genomes Project 30x 0.00016; 1000 Genomes Project 0.00020.
gnomAD v4.1: 74 of 1,613,850 alleles (0.0046%); highest among the groups gnomAD compares: East Asian, 0.02%; no homozygotes.

Submissions (3):

Revvity Omics, Revvity
Classification: Uncertain significance for Deficiency of galactokinase. Last evaluated: 2025-05-07. Review status: criteria provided, single submitter. Criteria: ACMG Guidelines, 2015. Collection method: clinical testing. Allele origin: germline.

Myriad Genetics, Inc.
Classification: Uncertain significance for Deficiency of galactokinase. Last evaluated: 2021-10-20. Review status: criteria provided, single submitter. Criteria: Myriad Women's Health Autosomal Recessive and X-Linked Classification Criteria (2021). Collection method: clinical testing. Allele origin: unknown.
Comment: NM_000154.1(GALK1):c.742C>T(R248W) is a missense variant classified as a variant of uncertain significance in the context of galactokinase deficiency. R248W has been observed in cases with relevant disease (PMID: 27307692, 29770612). Functional assessments of this variant are not available in the literature. R248W has been observed in population frequency databases (gnomAD: EAS 0.06%). In summary, there is insufficient evidence to classify NM_000154.1(GALK1):c.742C>T(R248W) as pathogenic or benign. Please note: this variant was assessed in the context of healthy population screening.

Illumina Laboratory Services, Illumina
Classification: Uncertain significance for Deficiency of galactokinase. Last evaluated: 2018-01-12. Review status: criteria provided, single submitter. Criteria: ICSL Variant Classification Criteria 13 December 2019. Collection method: clinical testing. Allele origin: germline.

Literature cited by the submitters: PubMed 27307692 (cited by Myriad Genetics, Inc.); PubMed 29770612 (cited by Myriad Genetics, Inc.).

NM_000154.2(GALK1):c.742C>T (p.Arg248Trp)

Gene: GALK1 (galactokinase 1; minus strand). Cytogenetic location: 17q25.1.
Variant type: single nucleotide variant.
Coding change: c.742C>T on transcript NM_000154.2 (MANE Select); coding-DNA position 742, C replaced by T.
Protein change: p.Arg248Trp; replaces arginine 248 with tryptophan.
Molecular consequence: missense variant.
Genome position (GRCh38, 1-based): chr17:75,762,755, G>A on the plus strand (C>T on the coding strand, the complement: GALK1 is on the minus strand). VCF-style: chr17-75762755-G-A. GRCh37 (hg19) VCF-style: chr17-73758836-G-A.
Other names: short protein forms R248W.
Identifiers: ClinVar variation 889784 (VCV000889784.8), dbSNP rs541580127, ClinGen allele CA8770844.